The following is an entry in ClinVar:

ClinVar aggregate classification (germline): Conflicting classifications of pathogenicity. Review status: criteria provided, conflicting classifications (1 of 4 stars). 4 submissions from 4 submitters: Uncertain significance (3); Likely benign (1). Last evaluated 2025-09-04.

Conditions:
Classic or attenuated familial adenomatous polyposis. Identifiers: MedGen CN372698, MONDO:0021057.
Hereditary cancer-predisposing syndrome. Also called: Hereditary neoplastic syndrome; Tumor predisposition; Hereditary Cancer Syndrome; Neoplastic Syndromes, Hereditary. Identifiers: Orphanet 140162, MedGen C0027672, MeSH D009386, MONDO:0015356.
Familial adenomatous polyposis 1 (FAP1). Also called: FAMILIAL ADENOMATOUS POLYPOSIS 1, ATTENUATED; POLYPOSIS, ADENOMATOUS INTESTINAL. Identifiers: MedGen C2713442, MONDO:0021056, OMIM 175100. Disease mechanism: loss of function.

Allele frequency attached by ClinVar (database versions not stated): ExAC 0.00001.
gnomAD v4.1: 44 of 1,614,062 alleles (0.0027%); highest among the groups gnomAD compares: Non-Finnish European, 0.0037%; no homozygotes.

Submissions (4):

Ambry Genetics
Classification: Likely benign for Hereditary cancer-predisposing syndrome. Last evaluated: 2025-09-04. Review status: criteria provided, single submitter. Criteria: Ambry Variant Classification Scheme 2023. Collection method: clinical testing. Allele origin: germline.

Labcorp Genetics (formerly Invitae), Labcorp
Classification: Uncertain significance for Familial adenomatous polyposis 1. Last evaluated: 2025-01-16. Review status: criteria provided, single submitter. Criteria: Invitae Variant Classification Sherloc (09022015). Collection method: clinical testing. Allele origin: germline.
Comment: This sequence change replaces asparagine, which is neutral and polar, with serine, which is neutral and polar, at codon 1761 of the APC protein (p.Asn1761Ser). This variant is present in population databases (rs752038930, gnomAD 0.002%). This variant has not been reported in the literature in individuals affected with APC-related conditions. ClinVar contains an entry for this variant (Variation ID: 219794). Invitae Evidence Modeling of protein sequence and biophysical properties (such as structural, functional, and spatial information, amino acid conservation, physicochemical variation, residue mobility, and thermodynamic stability) indicates that this missense variant is not expected to disrupt APC protein function with a negative predictive value of 95%. RNA analysis performed to evaluate the impact of this missense change on mRNA splicing indicates it does not significantly alter splicing (internal data). In summary, the available evidence is currently insufficient to determine the role of this variant in disease. Therefore, it has been classified as a Variant of Uncertain Significance.

All of Us Research Program, National Institutes of Health
Classification: Uncertain significance for Classic or attenuated familial adenomatous polyposis. Last evaluated: 2024-05-17. Review status: criteria provided, single submitter. Criteria: ACMG Guidelines, 2015. Collection method: clinical testing. Allele origin: germline. Inheritance: Autosomal dominant inheritance. Observed: 2 variant alleles, 2 heterozygotes.
Comment: This missense variant replaces asparagine with serine at codon 1761 of the APC protein. Computational prediction suggests that this variant may not impact protein structure and function (internally defined REVEL score threshold <= 0.5, PMID: 27666373). To our knowledge, functional studies have not been reported for this variant. This variant has not been reported in individuals affected with APC-related disorders in the literature. This variant has been identified in 2/250488 chromosomes in the general population by the Genome Aggregation Database (gnomAD). The available evidence is insufficient to determine the role of this variant in disease conclusively. Therefore, this variant is classified as a Variant of Uncertain Significance.

This study involves interpretation of variants in research participants for the purpose of population health screening. Participant phenotype was not available at the time of variant classification. Additional details can be found in publication PMID: 35346344, PMCID: PMC8962531

Color Diagnostics, LLC DBA Color Health
Classification: Uncertain significance for Hereditary cancer-predisposing syndrome. Last evaluated: 2024-04-18. Review status: criteria provided, single submitter. Criteria: ACMG Guidelines, 2015. Collection method: clinical testing. Allele origin: germline.
Comment: This missense variant replaces asparagine with serine at codon 1761 of the APC protein. Computational prediction suggests that this variant may not impact protein structure and function (internally defined REVEL score threshold <= 0.5, PMID: 27666373). To our knowledge, functional studies have not been reported for this variant. This variant has not been reported in individuals affected with APC-related disorders in the literature. This variant has been identified in 2/250488 chromosomes in the general population by the Genome Aggregation Database (gnomAD). The available evidence is insufficient to determine the role of this variant in disease conclusively. Therefore, this variant is classified as a Variant of Uncertain Significance.

NM_000038.6(APC):c.5282A>G (p.Asn1761Ser)

Gene: APC (APC regulator of Wnt signaling pathway; plus strand). Cytogenetic location: 5q22.2.
Variant type: single nucleotide variant.
Coding change: c.5282A>G on transcript NM_000038.6 (MANE Select); coding-DNA position 5282, A replaced by G.
Protein change: p.Asn1761Ser; replaces asparagine 1761 with serine.
Molecular consequence: missense variant.
Genome position (GRCh38, 1-based): chr5:112,840,876, A>G. VCF-style: chr5-112840876-A-G. GRCh37 (hg19) VCF-style: chr5-112176573-A-G.
Other names: c.5198A>G, p.Asn1733Ser (NM_001354899.2); c.5159A>G, p.Asn1720Ser (NM_001354900.2); c.5282A>G, p.Asn1761Ser (NM_001127510.3, NM_001354895.2); c.5228A>G, p.Asn1743Ser (NM_001127511.3); c.5336A>G, p.Asn1779Ser (NM_001354896.2); c.5207A>G, p.Asn1736Ser (NM_001354898.2); c.5312A>G, p.Asn1771Ser (NM_001354897.2); c.5105A>G, p.Asn1702Ser (NM_001354901.2); and 5 more; short protein forms N1743S, N1761S, N1478S, N1601S, N1670S, N1779S, N1635S, N1660S.
Identifiers: ClinVar variation 219794 (VCV000219794.22), dbSNP rs752038930, ClinGen allele CA041233.